The following is an entry in ClinVar:

ClinVar aggregate classification (germline): Uncertain significance (1 of 4 stars; one submission).

Conditions:
Multiple endocrine neoplasia type 4. Also called: MULTIPLE ENDOCRINE NEOPLASIA, TYPE IV. Identifiers: Orphanet 276152, MedGen C1970712, MONDO:0012552, OMIM 610755.

Submission:

Labcorp Genetics (formerly Invitae), Labcorp
Classification: Uncertain significance for Multiple endocrine neoplasia type 4. Last evaluated: 2024-10-11. Review status: criteria provided, single submitter. Criteria: Invitae Variant Classification Sherloc (09022015). Collection method: clinical testing. Allele origin: germline.
Comment: This sequence change replaces glutamic acid, which is acidic and polar, with alanine, which is neutral and non-polar, at codon 86 of the CDKN1B protein (p.Glu86Ala). This variant is not present in population databases (gnomAD no frequency). This variant has not been reported in the literature in individuals affected with CDKN1B-related conditions. An algorithm developed to predict the effect of missense changes on protein structure and function (PolyPhen-2) suggests that this variant is likely to be tolerated. In summary, the available evidence is currently insufficient to determine the role of this variant in disease. Therefore, it has been classified as a Variant of Uncertain Significance.

NM_004064.5(CDKN1B):c.257A>C (p.Glu86Ala)

Gene: CDKN1B (cyclin dependent kinase inhibitor 1B; plus strand). Cytogenetic location: 12p13.1.
Variant type: single nucleotide variant.
Coding change: c.257A>C on transcript NM_004064.5 (MANE Select); coding-DNA position 257, A replaced by C.
Protein change: p.Glu86Ala; replaces glutamic acid 86 with alanine.
Molecular consequence: missense variant.
Genome position (GRCh38, 1-based): chr12:12,718,096, A>C. VCF-style: chr12-12718096-A-C. GRCh37 (hg19) VCF-style: chr12-12871030-A-C.
Other names: short protein forms E86A.
Identifiers: ClinVar variation 3630747 (VCV003630747.2).